The following is an entry in ClinVar:

ClinVar aggregate classification (germline): Uncertain significance. Review status: criteria provided, multiple submitters, no conflicts (2 of 4 stars). 2 submissions from 2 submitters: Uncertain significance (2). Last evaluated 2025-02-13.

Conditions:
Cutis laxa, X-linked (OHS). Also called: EDS IX; Occipital horn syndrome. Identifiers: Orphanet 198, MedGen C0268353, MONDO:0010572, OMIM 304150.
Menkes kinky-hair syndrome (MNK). Also called: Classic Menkes Disease; Copper transport disease; Menkes Disease. Identifiers: Orphanet 565, MedGen C0022716, MONDO:0010651, OMIM 309400.
X-linked distal spinal muscular atrophy type 3. Also called: NEURONOPATHY, DISTAL HEREDITARY MOTOR, X-LINKED; NEUROPATHY, DISTAL HEREDITARY MOTOR, X-LINKED; ATP7A-Related Distal Motor Neuropathy; SPINAL MUSCULAR ATROPHY, DISTAL, X-LINKED RECESSIVE. Identifiers: Orphanet 139557, MedGen C1845359, MONDO:0010338, OMIM 300489.
Inborn genetic diseases. Identifiers: MedGen C0950123, MeSH D030342.

Allele frequency attached by ClinVar (database versions not stated): gnomAD 0.00002.
gnomAD v4.1: 2 of 1,208,886 alleles (0.00017%); highest among the groups gnomAD compares: African/African-American, 0.0035%; no homozygotes.

Submissions (2):

Ambry Genetics
Classification: Uncertain significance for Inborn genetic diseases. Last evaluated: 2025-02-13. Review status: criteria provided, single submitter. Criteria: Ambry Variant Classification Scheme 2023. Collection method: clinical testing. Allele origin: germline.

Labcorp Genetics (formerly Invitae), Labcorp
Classification: Uncertain significance for X-linked distal spinal muscular atrophy type 3; Cutis laxa, X-linked; Menkes kinky-hair syndrome. Last evaluated: 2022-11-01. Review status: criteria provided, single submitter. Criteria: Invitae Variant Classification Sherloc (09022015). Collection method: clinical testing. Allele origin: germline.
Comment: This sequence change replaces isoleucine, which is neutral and non-polar, with threonine, which is neutral and polar, at codon 556 of the ATP7A protein (p.Ile556Thr). This variant is not present in population databases (gnomAD no frequency). This variant has not been reported in the literature in individuals affected with ATP7A-related conditions. Advanced modeling of protein sequence and biophysical properties (such as structural, functional, and spatial information, amino acid conservation, physicochemical variation, residue mobility, and thermodynamic stability) performed at Invitae indicates that this missense variant is not expected to disrupt ATP7A protein function. In summary, the available evidence is currently insufficient to determine the role of this variant in disease. Therefore, it has been classified as a Variant of Uncertain Significance.

NM_000052.7(ATP7A):c.1667T>C (p.Ile556Thr)

Gene: ATP7A (ATPase copper transporting alpha; plus strand). Cytogenetic location: Xq21.1.
Variant type: single nucleotide variant.
Coding change: c.1667T>C on transcript NM_000052.7 (MANE Select); coding-DNA position 1667, T replaced by C.
Protein change: p.Ile556Thr; replaces isoleucine 556 with threonine.
Molecular consequence: missense variant.
Genome position (GRCh38, 1-based): chrX:78,003,196, T>C. VCF-style: chrX-78003196-T-C. GRCh37 (hg19) VCF-style: chrX-77258693-T-C.
Other names: c.1667T>C, p.Ile556Thr (NM_001282224.2); short protein forms I556T.
Identifiers: ClinVar variation 1777595 (VCV001777595.6), dbSNP rs2077752124, ClinGen allele CA413595435.